The following is an entry in ClinVar:

NM_001129.5(AEBP1):c.1541C>T (p.Pro514Leu)

Gene: AEBP1 (AE binding protein 1; plus strand). Cytogenetic location: 7p13.
Variant type: single nucleotide variant.
Coding change: c.1541C>T on transcript NM_001129.5 (MANE Select); coding-DNA position 1541, C replaced by T.
Protein change: p.Pro514Leu; replaces proline 514 with leucine.
Molecular consequence: missense variant.
Genome position (GRCh38, 1-based): chr7:44,110,968, C>T. VCF-style: chr7-44110968-C-T. GRCh37 (hg19) VCF-style: chr7-44150567-C-T.
Other names: p.Pro514Leu; short protein forms P514L.
Identifiers: ClinVar variation 1371098 (VCV001371098.7), dbSNP rs200076938, ClinGen allele CA4237925.

ClinVar aggregate classification (germline): Uncertain significance. Review status: criteria provided, multiple submitters, no conflicts (2 of 4 stars). 4 submissions from 4 submitters: Uncertain significance (4). Last evaluated 2025-10-27.

Allele frequency attached by ClinVar (database versions not stated): gnomAD 0.00004; gnomAD exomes 0.00004 and 0.00005; ExAC 0.00005; TOPMed 0.00005.
gnomAD v4.1: 61 of 1,613,886 alleles (0.0038%); highest among the groups gnomAD compares: African/African-American, 0.012%; no homozygotes.

Submissions (4):

Women's Health and Genetics/Laboratory Corporation of America, LabCorp
Classification: Uncertain significance. Last evaluated: 2025-10-27. Review status: criteria provided, single submitter. Criteria: LabCorp Variant Classification Summary - May 2015. Collection method: clinical testing. Allele origin: germline.
Comment: Variant summary: AEBP1 c.1541C>T (p.Pro514Leu) results in a non-conservative amino acid change in the encoded protein sequence. Algorithms developed to predict the effect of missense changes on protein structure and function all suggest that this variant is likely to be disruptive. The variant allele was found at a frequency of 4.8e-05 in 251176 control chromosomes. This frequency is not significantly higher than estimated for disease-causing variants in AEBP1, allowing no conclusion about variant significance. To our knowledge, no occurrence of c.1541C>T in individuals affected with AEBP1-related conditions and no experimental evidence demonstrating its impact on protein function have been reported. ClinVar contains an entry for this variant (Variation ID: 1371098). Based on the evidence outlined above, the variant was classified as uncertain significance.

Mayo Clinic Laboratories, Mayo Clinic
Classification: Uncertain significance. Last evaluated: 2023-01-04. Review status: criteria provided, single submitter. Criteria: ACMG Guidelines, 2015. Collection method: clinical testing. Allele origin: germline. Observed: 1 variant allele.
Comment: PP3

Blueprint Genetics
Classification: Uncertain significance. Last evaluated: 2022-07-07. Review status: criteria provided, single submitter. Criteria: ACMG Guidelines, 2015. Collection method: clinical testing. Allele origin: germline.

Labcorp Genetics (formerly Invitae), Labcorp
Classification: Uncertain significance. Last evaluated: 2022-07-05. Review status: criteria provided, single submitter. Criteria: Invitae Variant Classification Sherloc (09022015). Collection method: clinical testing. Allele origin: germline.
Comment: This sequence change replaces proline, which is neutral and non-polar, with leucine, which is neutral and non-polar, at codon 514 of the AEBP1 protein (p.Pro514Leu). This variant is present in population databases (rs200076938, gnomAD 0.01%). This variant has not been reported in the literature in individuals affected with AEBP1-related conditions. ClinVar contains an entry for this variant (Variation ID: 1371098). Algorithms developed to predict the effect of missense changes on protein structure and function are either unavailable or do not agree on the potential impact of this missense change (SIFT: "Deleterious"; PolyPhen-2: "Probably Damaging"; Align-GVGD: "Class C0"). In summary, the available evidence is currently insufficient to determine the role of this variant in disease. Therefore, it has been classified as a Variant of Uncertain Significance.